The following is an entry in ClinVar:

NM_001276345.2(TNNT2):c.430C>T (p.Arg144Trp)

Gene: TNNT2 (troponin T2, cardiac type; minus strand). Cytogenetic location: 1q32.1.
Variant type: single nucleotide variant.
Coding change: c.430C>T on transcript NM_001276345.2 (MANE Select); coding-DNA position 430, C replaced by T.
Protein change: p.Arg144Trp; replaces arginine 144 with tryptophan.
Molecular consequence: missense variant.
Genome position (GRCh38, 1-based): chr1:201,364,357, G>A on the plus strand (C>T on the coding strand, the complement: TNNT2 is on the minus strand). VCF-style: chr1-201364357-G-A. GRCh37 (hg19) VCF-style: chr1-201333485-G-A.
Other names: c.430C>T, p.Arg144Trp (NM_000364.4); c.400C>T, p.Arg134Trp (NM_001001430.3, NM_001001431.3, NM_001276347.2); c.385C>T, p.Arg129Trp (NM_001001432.3); c.310C>T, p.Arg104Trp (NM_001276346.2); short protein forms R134W, R104W, R129W.
Identifiers: ClinVar variation 127070 (VCV000127070.35), dbSNP rs45525839, ClinGen allele CA004485.

ClinVar aggregate classification (germline): Conflicting classifications of pathogenicity. Review status: criteria provided, conflicting classifications (1 of 4 stars). 13 submissions from 13 submitters: Likely pathogenic (6); Uncertain significance (7). Last evaluated 2026-01-27.

Conditions:
Dilated cardiomyopathy 1D. Identifiers: Orphanet 154, Orphanet 54260, MedGen C1832243, MONDO:0011095, OMIM 601494.
Hypertrophic cardiomyopathy 2. Also called: TNNT2-Related Familial Hypertrophic Cardiomyopathy. Identifiers: MedGen C1861864, MONDO:0007266, OMIM 115195.
TNNT2-related disorder. Also called: TNNT2-related condition.
Cardiovascular phenotype. Identifiers: MedGen CN230736.
Cardiomyopathy (CMYO). Also called: Cardiomyopathies. Identifiers: Orphanet 167848, MedGen C0878544, MONDO:0004994, HP:0001638. Inheritance: Various modes of inheritance.
Cardiomyopathy, familial restrictive, 3. Identifiers: Orphanet 75249, MedGen C2676271, MONDO:0012900, OMIM 612422.
Primary dilated cardiomyopathy (DCM). Also called: Dilated Cardiomyopathy. Identifiers: Orphanet 217604, MedGen C0007193, MeSH D002311, MONDO:0005021, HP:0001644. Inheritance: Various modes of inheritance.

Allele frequency attached by ClinVar (database versions not stated): TOPMed 0.00002.

Submissions 1 to 8 of 13:

Institute of Human Genetics, University of Leipzig Medical Center
Classification: Uncertain significance for Dilated cardiomyopathy 1D. Last evaluated: 2026-01-27. Review status: criteria provided, single submitter. Criteria: ACMG Guidelines, 2015. Collection method: clinical testing. Allele origin: maternal. Inheritance: Autosomal dominant inheritance. Affected: yes.
Comment: Criteria applied: PM5,PS3_SUP,PM2_SUP,PP3

Labcorp Genetics (formerly Invitae), Labcorp
Classification: Likely pathogenic for Cardiomyopathy, familial restrictive, 3; Hypertrophic cardiomyopathy 2; Dilated cardiomyopathy 1D. Last evaluated: 2026-01-27. Review status: criteria provided, single submitter. Criteria: Invitae Variant Classification Sherloc (09022015). Collection method: clinical testing. Allele origin: germline.
Comment: This sequence change replaces arginine, which is basic and polar, with tryptophan, which is neutral and slightly polar, at codon 134 of the TNNT2 protein (p.Arg134Trp). The frequency data for this variant in the population databases is considered unreliable, as metrics indicate poor data quality at this position in the gnomAD database. This missense change has been observed in individuals with dilated cardiomyopathy and/or hypertrophic cardiomyopathy (PMID: 27532257, 33297573, 35629155, 37652022; internal data). This variant is also known as R144W. ClinVar contains an entry for this variant (Variation ID: 127070). Invitae Evidence Modeling of protein sequence and biophysical properties (such as structural, functional, and spatial information, amino acid conservation, physicochemical variation, residue mobility, and thermodynamic stability) indicates that this missense variant is expected to disrupt TNNT2 protein function with a positive predictive value of 80%. Experimental studies have shown that this missense change affects TNNT2 function (PMID: 30565988). This variant disrupts the p.Arg134 amino acid residue in TNNT2. Other variant(s) that disrupt this residue have been determined to be pathogenic (PMID: 20031601, 22464770). This suggests that this residue is clinically significant, and that variants that disrupt this residue are likely to be disease-causing. In summary, the currently available evidence indicates that the variant is pathogenic, but additional data are needed to prove that conclusively. Therefore, this variant has been classified as Likely Pathogenic.

GeneDx
Classification: Likely pathogenic. Last evaluated: 2025-11-11. Review status: criteria provided, single submitter. Criteria: GeneDx Variant Classification Process June 2021. Collection method: clinical testing. Allele origin: germline. Affected: yes.
Comment: Reported in association with cardiomyopathy in unrelated patients in published literature and referred for genetic testing at GeneDx (PMID: 27532257, 34853230, 33297573, 38473809); Not observed at significant frequency in large population cohorts (gnomAD); In silico analysis supports that this missense variant has a deleterious effect on protein structure/function; This variant is associated with the following publications: (PMID: 30565988, 23861362, 33297573, 34853230, 27532257, 37652022, 38473809, 31918855, 35629155, 20031601)

Ambry Genetics
Classification: Uncertain significance for Cardiovascular phenotype. Last evaluated: 2025-10-24. Review status: criteria provided, single submitter. Criteria: Ambry Variant Classification Scheme 2023. Collection method: clinical testing. Allele origin: germline.
Comment: The p.R134W variant (also known as c.400C>T), located in coding exon 9 of the TNNT2 gene, results from a C to T substitution at nucleotide position 400. The arginine at codon 134 is replaced by tryptophan, an amino acid with dissimilar properties. This variant has been detected in two individuals from hypertrophic cardiomyopathy (HCM) cohorts; however, clinical details were limited (Walsh R et al. Genet Med, 2017 02;19:192-203; Micheu MM et al. Diagnostics (Basel), 2020 Dec;10). The variant (referred to as p.R144W c.430C>T) co-occurred with an MYH7 variant in an individual with findings of left ventricular non-compaction findings (Miyake W et al. Int Heart J, 2021;62:1420-1429). This alteration has also been reported as a secondary cardiac variant in an exome cohort (Ng D et al. Circ Cardiovasc Genet, 2013 Aug;6:337-46). This amino acid position is highly conserved in available vertebrate species. In addition, this alteration is predicted to be deleterious by in silico analysis. Since supporting evidence is limited at this time, the clinical significance of this alteration remains unclear.

Institute of Human Genetics Munich, TUM University Hospital
Classification: Likely pathogenic for Dilated cardiomyopathy 1D. Last evaluated: 2025-06-30. Review status: criteria provided, single submitter. Criteria: Classification criteria August 2017. Collection method: clinical testing. Allele origin: germline. Inheritance: Autosomal dominant inheritance. Affected: yes. Observed: 1 variant allele.

Women's Health and Genetics/Laboratory Corporation of America, LabCorp
Classification: Uncertain significance. Last evaluated: 2024-11-11. Review status: criteria provided, single submitter. Criteria: LabCorp Variant Classification Summary - May 2015. Collection method: clinical testing. Allele origin: germline.
Comment: Variant summary: TNNT2 c.400C>T (p.Arg134Trp) results in a non-conservative amino acid change in the encoded protein sequence. Five of five in-silico tools predict a damaging effect of the variant on protein function. The variant allele was found at a frequency of 4e-06 in 249858 control chromosomes (gnomAD). c.400C>T has been reported in the literature in individuals affected with HCM, DCM or LVNC (Walsh_2017, Micheu_2020, Miyake_2021, McGurk_2023, Kurzlechner_2022). These data do not allow any conclusion about variant significance. At least one publication reports experimental evidence evaluating an impact on protein function and this variant disrupts protein function (Lv_2018). The following publications have been ascertained in the context of this evaluation (PMID: 35629155, 30565988, 37652022, 33297573, 34853230, 27532257). ClinVar contains an entry for this variant (Variation ID: 127070). Based on the evidence outlined above, the variant was classified as VUS-possibly pathogenic.

All of Us Research Program, National Institutes of Health
Classification: Uncertain significance for Cardiomyopathy. Last evaluated: 2024-09-11. Review status: criteria provided, single submitter. Criteria: ACMG Guidelines, 2015. Collection method: clinical testing. Allele origin: germline. Inheritance: Autosomal dominant inheritance. Observed: 4 variant alleles, 4 heterozygotes.
Comment: This missense variant replaces arginine with tryptophan at codon 134 in the tropomyosin binding domain 1 of the TNNT2 protein. Computational prediction tools indicate that this variant has a deleterious impact on protein structure and function. To our knowledge, functional studies have not been reported for this variant. This variant has been reported in two individuals affected with hypertrophic cardiomyopathy (PMID: 27532257, 33297573), in one individual affected with left ventricular noncompaction (PMID: 34853230), and in one individual affected with dilated cardiomyopathy (PMID: 38473809). This variant has been identified in 1/249858 chromosomes in the general population by the Genome Aggregation Database (gnomAD). A different variant affecting the same codon, p.Arg134Gly, is considered to be disease-causing (ClinVar variation ID: 43639), suggesting that arginine at this position is important for TNNT2 protein function. Although there is a suspicion that this variant may be associated with disease, additional studies are necessary to determine the role of this variant in disease conclusively. Therefore, this variant is classified as a Variant of Uncertain Significance.

This study involves interpretation of variants in research participants for the purpose of population health screening. Participant phenotype was not available at the time of variant classification. Additional details can be found in publication PMID: 35346344, PMCID: PMC8962531

Blueprint Genetics
Classification: Likely pathogenic for TNNT2-related disorders. Last evaluated: 2024-08-13. Review status: criteria provided, single submitter. Criteria: ACMG Guidelines, 2015. Collection method: clinical testing. Allele origin: germline. Affected: yes. Observed: 5 variant alleles.